The following is an entry in ClinVar:

NM_000081.4(LYST):c.9812C>T (p.Thr3271Ile)

Gene: LYST (lysosomal trafficking regulator; minus strand). Cytogenetic location: 1q42.3.
Variant type: single nucleotide variant.
Coding change: c.9812C>T on transcript NM_000081.4 (MANE Select); coding-DNA position 9812, C replaced by T.
Protein change: p.Thr3271Ile; replaces threonine 3271 with isoleucine.
Molecular consequence: missense variant.
Genome position (GRCh38, 1-based): chr1:235,712,170, G>A on the plus strand (C>T on the coding strand, the complement: LYST is on the minus strand). VCF-style: chr1-235712170-G-A. GRCh37 (hg19) VCF-style: chr1-235875470-G-A.
Other names: c.9812C>T, p.Thr3271Ile (NM_001301365.1); short protein forms T3271I.
Identifiers: ClinVar variation 1492806 (VCV001492806.7), dbSNP rs1403177252, ClinGen allele CA344937838.

ClinVar aggregate classification (germline): Uncertain significance (1 of 4 stars; one submission).

Conditions:
Chédiak-Higashi syndrome (CHS). Also called: Chediak-Higashi Syndrome. Identifiers: Orphanet 167, MedGen C0007965, MONDO:0008963, OMIM 214500.

Allele frequency attached by ClinVar (database versions not stated): gnomAD exomes below 0.00001.
gnomAD v4.1: 2 of 1,584,638 alleles (0.00013%); highest among the groups gnomAD compares: Non-Finnish European, 0.00017%; no homozygotes.

Submission:

Labcorp Genetics (formerly Invitae), Labcorp
Classification: Uncertain significance for Chédiak-Higashi syndrome. Last evaluated: 2021-02-03. Review status: criteria provided, single submitter. Criteria: Invitae Variant Classification Sherloc (09022015). Collection method: clinical testing. Allele origin: germline.
Comment: Algorithms developed to predict the effect of missense changes on protein structure and function are either unavailable or do not agree on the potential impact of this missense change (SIFT: "Tolerated"; PolyPhen-2: "Probably Damaging"; Align-GVGD: "Class C0"). In summary, the available evidence is currently insufficient to determine the role of this variant in disease. Therefore, it has been classified as a Variant of Uncertain Significance. This variant has not been reported in the literature in individuals with LYST-related conditions. This variant is not present in population databases (ExAC no frequency). This sequence change replaces threonine with isoleucine at codon 3271 of the LYST protein (p.Thr3271Ile). The threonine residue is moderately conserved and there is a moderate physicochemical difference between threonine and isoleucine.